The following is an entry in ClinVar:

NM_004984.4(KIF5A):c.592A>G (p.Met198Val)

Gene: KIF5A (kinesin family member 5A; plus strand). Cytogenetic location: 12q13.3.
Variant type: single nucleotide variant.
Coding change: c.592A>G on transcript NM_004984.4 (MANE Select); coding-DNA position 592, A replaced by G.
Protein change: p.Met198Val; replaces methionine 198 with valine.
Molecular consequence: missense variant.
Genome position (GRCh38, 1-based): chr12:57,567,496, A>G. VCF-style: chr12-57567496-A-G. GRCh37 (hg19) VCF-style: chr12-57961279-A-G.
Other names: c.325A>G, p.Met109Val (NM_001354705.2); short protein forms M198V, M109V.
Identifiers: ClinVar variation 3646570 (VCV003646570.2).

ClinVar aggregate classification (germline): Uncertain significance (1 of 4 stars; one submission).

Conditions:
Spastic paraplegia. Identifiers: MedGen C0037772, HP:0001258.

Submission:

Labcorp Genetics (formerly Invitae), Labcorp
Classification: Uncertain significance for Spastic paraplegia. Last evaluated: 2024-06-05. Review status: criteria provided, single submitter. Criteria: Invitae Variant Classification Sherloc (09022015). Collection method: clinical testing. Allele origin: germline.
Comment: This sequence change replaces methionine, which is neutral and non-polar, with valine, which is neutral and non-polar, at codon 198 of the KIF5A protein (p.Met198Val). This variant is not present in population databases (gnomAD no frequency). This variant has not been reported in the literature in individuals affected with KIF5A-related conditions. An algorithm developed to predict the effect of missense changes on protein structure and function (PolyPhen-2) suggests that this variant is likely to be tolerated. In summary, the available evidence is currently insufficient to determine the role of this variant in disease. Therefore, it has been classified as a Variant of Uncertain Significance.